The following is an entry in ClinVar:

ClinVar aggregate classification (germline): Uncertain significance. Review status: criteria provided, multiple submitters, no conflicts (2 of 4 stars). 2 submissions from 2 submitters: Uncertain significance (2). Last evaluated 2025-03-05.

Conditions:
Inborn genetic diseases. Identifiers: MedGen C0950123, MeSH D030342.

Allele frequency attached by ClinVar (database versions not stated): gnomAD exomes below 0.00001; TOPMed below 0.00001; gnomAD 0.00001.
gnomAD v4.1: 5 of 1,613,970 alleles (0.00031%); highest among the groups gnomAD compares: Non-Finnish European, 0.00042%; no homozygotes.

Submissions (2):

Ambry Genetics
Classification: Uncertain significance for Inborn genetic diseases. Last evaluated: 2025-03-05. Review status: criteria provided, single submitter. Criteria: Ambry Variant Classification Scheme 2023. Collection method: clinical testing. Allele origin: germline.

Labcorp Genetics (formerly Invitae), Labcorp
Classification: Uncertain significance. Last evaluated: 2022-04-29. Review status: criteria provided, single submitter. Criteria: Invitae Variant Classification Sherloc (09022015). Collection method: clinical testing. Allele origin: germline.
Comment: This variant has not been reported in the literature in individuals affected with CEP63-related conditions. In summary, the available evidence is currently insufficient to determine the role of this variant in disease. Therefore, it has been classified as a Variant of Uncertain Significance. Algorithms developed to predict the effect of missense changes on protein structure and function (SIFT, PolyPhen-2, Align-GVGD) all suggest that this variant is likely to be tolerated. This variant is not present in population databases (gnomAD no frequency). This sequence change replaces serine, which is neutral and polar, with leucine, which is neutral and non-polar, at codon 625 of the CEP63 protein (p.Ser625Leu).

NM_001353108.3(CEP63):c.1874C>T (p.Ser625Leu)

Gene: CEP63 (centrosomal protein 63; plus strand). Cytogenetic location: 3q22.2.
Variant type: single nucleotide variant.
Coding change: c.1874C>T on transcript NM_001353108.3 (MANE Select); coding-DNA position 1874, C replaced by T.
Protein change: p.Ser625Leu; replaces serine 625 with leucine.
Molecular consequence: missense variant. On other transcripts: non-coding transcript variant (1), intron variant (17).
Genome position (GRCh38, 1-based): chr3:134,559,350, C>T. VCF-style: chr3-134559350-C-T. GRCh37 (hg19) VCF-style: chr3-134278192-C-T.
Other names: c.1736C>T, p.Ser579Leu (NM_001353109.1); c.1874C>T, p.Ser625Leu (NM_025180.5); c.1467+7338C>T (NM_001353113.1, NM_001353117.2); c.1329+7338C>T (NM_001042384.2, NM_001353124.2, NM_001353123.2); c.1330-2027C>T (NM_001353122.1, NM_001042383.2, NM_001353121.2 and 2 more transcripts); c.1468-2027C>T (NM_001353110.1, NM_001353112.2, NM_001353111.2 and 1 more transcripts); c.1357-2027C>T (NM_001353118.1); c.1874C>T (NM_025180.3); and 2 more; short protein forms S579L, S625L.
Identifiers: ClinVar variation 1906216 (VCV001906216.6), dbSNP rs1347508482, ClinGen allele CA354634155.
Genomic context (GRCh38, chr3:134,559,350, plus strand): 5'-CTTGCAGCTCCACCAGGTCTTTGACTTCCTACTCTCTATGTAAAACTCATTCTTTGCCTT[C>T]AGCGCTAGATACAAATGAAGCCAATTTTTCTGACACTATGTCTGAGAGTATGAATGACCA-3'
Protein context (NP_001340037.1, residues 615-635): YSLCKTHSLP[Ser625Leu]ALDTNEANFS